The following is an entry in ClinVar:

ClinVar aggregate classification (germline): Pathogenic (1 of 4 stars; one submission).

Conditions:
Combined immunodeficiency due to LRBA deficiency. Also called: Common variable immunodeficiency 8, with autoimmunity. Identifiers: Orphanet 445018, MedGen C3553512, MONDO:0013863, OMIM 614700.

Submission:

Labcorp Genetics (formerly Invitae), Labcorp
Classification: Pathogenic for Combined immunodeficiency due to LRBA deficiency. Last evaluated: 2024-07-15. Review status: criteria provided, single submitter. Criteria: Invitae Variant Classification Sherloc (09022015). Collection method: clinical testing. Allele origin: germline.
Comment: This sequence change creates a premature translational stop signal (p.Arg2195Asnfs*5) in the LRBA gene. It is expected to result in an absent or disrupted protein product. Loss-of-function variants in LRBA are known to be pathogenic (PMID: 26206937, 26768763). This variant is present in population databases (no rsID available, gnomAD no frequency). This variant has not been reported in the literature in individuals affected with LRBA-related conditions. This variant is also known as c.6584+1del. ClinVar contains an entry for this variant (Variation ID: 1457482). Algorithms developed to predict the effect of sequence changes on RNA splicing suggest that this variant may disrupt the consensus splice site. For these reasons, this variant has been classified as Pathogenic.

Literature cited by the submitters: PubMed 26206937; PubMed 26768763.

NM_001364905.1(LRBA):c.6551+1del

Gene: LRBA (LPS responsive beige-like anchor protein; minus strand). Cytogenetic location: 4q31.3.
Variant type: Deletion.
Coding change: c.6551+1del on transcript NM_001364905.1 (MANE Select); the canonical splice donor site of the intron after coding-DNA position 6551, one base deleted (G; older notation c.6551+1delG).
Molecular consequence: splice donor variant.
Genome position (GRCh38, 1-based): chr4:150,487,731, C deleted on the plus strand (G on the coding strand, the reverse complement: LRBA is on the minus strand); the first of 2 consecutive C bases (chr4:150,487,731-150,487,732); deleting either gives the same sequence. VCF-style (leftmost placement, unchanged base first): chr4-150487730-AC-A. GRCh37 (hg19) VCF-style: chr4-151408882-AC-A.
Other names: c.6551+1del (NM_001367550.1, NM_001199282.3, NM_001440431.1); c.6584+1del (NM_006726.5, NM_001440430.1); c.254+1del (NM_001440432.1); c.248+1del (NM_001440433.1).
Identifiers: ClinVar variation 1457482 (VCV001457482.6), dbSNP rs1320366310, ClinGen allele CA555721907.